The following is an entry in ClinVar:

NM_001145715.3(KPNA7):c.238A>C (p.Asn80His)

Gene: KPNA7 (karyopherin subunit alpha 7; minus strand). Cytogenetic location: 7q22.1.
Variant type: single nucleotide variant.
Coding change: c.238A>C on transcript NM_001145715.3 (MANE Select); coding-DNA position 238, A replaced by C.
Protein change: p.Asn80His; replaces asparagine 80 with histidine.
Molecular consequence: missense variant.
Genome position (GRCh38, 1-based): chr7:99,196,130, T>G on the plus strand (A>C on the coding strand, the complement: KPNA7 is on the minus strand). VCF-style: chr7-99196130-T-G. GRCh37 (hg19) VCF-style: chr7-98793753-T-G.
Other names: c.238A>C (NM_001145715.1); short protein forms N80H.
Identifiers: ClinVar variation 1022620 (VCV001022620.11), dbSNP rs1447299166, ClinGen allele CA368421004.

ClinVar aggregate classification (germline): Uncertain significance. Review status: criteria provided, multiple submitters, no conflicts (2 of 4 stars). 2 submissions from 2 submitters: Uncertain significance (2). Last evaluated 2024-11-18.

Allele frequency attached by ClinVar (database versions not stated): gnomAD exomes below 0.00001; gnomAD 0.00001; TOPMed 0.00002.
gnomAD v4.1: 3 of 1,551,680 alleles (0.00019%); highest among the groups gnomAD compares: East Asian, 0.0073%; no homozygotes.

Submissions (2):

Labcorp Genetics (formerly Invitae), Labcorp
Classification: Uncertain significance. Last evaluated: 2024-11-18. Review status: criteria provided, single submitter. Criteria: Invitae Variant Classification Sherloc (09022015). Collection method: clinical testing. Allele origin: germline.
Comment: This sequence change replaces asparagine, which is neutral and polar, with histidine, which is basic and polar, at codon 80 of the KPNA7 protein (p.Asn80His). This variant is present in population databases (no rsID available, gnomAD 0.01%). This variant has not been reported in the literature in individuals affected with KPNA7-related conditions. ClinVar contains an entry for this variant (Variation ID: 1022620). Invitae Evidence Modeling of protein sequence and biophysical properties (such as structural, functional, and spatial information, amino acid conservation, physicochemical variation, residue mobility, and thermodynamic stability) indicates that this missense variant is not expected to disrupt KPNA7 protein function with a negative predictive value of 80%. Algorithms developed to predict the effect of sequence changes on RNA splicing suggest that this variant may disrupt the consensus splice site. In summary, the available evidence is currently insufficient to determine the role of this variant in disease. Therefore, it has been classified as a Variant of Uncertain Significance.

Ambry Genetics
Classification: Uncertain significance. Last evaluated: 2024-04-24. Review status: criteria provided, single submitter. Criteria: Ambry Variant Classification Scheme 2023. Collection method: clinical testing. Allele origin: germline.